The following is an entry in ClinVar:

NM_015662.3(IFT172):c.3117G>A (p.Leu1039=)

Gene: IFT172 (intraflagellar transport 172; minus strand). Cytogenetic location: 2p23.3.
Variant type: single nucleotide variant.
Coding change: c.3117G>A on transcript NM_015662.3 (MANE Select); coding-DNA position 3117, G replaced by A.
Protein change: p.Leu1039=; no amino-acid change (leucine 1039 retained).
Molecular consequence: synonymous variant.
Genome position (GRCh38, 1-based): chr2:27,457,750, C>T on the plus strand (G>A on the coding strand, the complement: IFT172 is on the minus strand). VCF-style: chr2-27457750-C-T. GRCh37 (hg19) VCF-style: chr2-27680617-C-T.
Other names: c.3051G>A, p.Leu1017= (NM_001410739.1).
Identifiers: ClinVar variation 4997495 (VCV004997495.1).

ClinVar aggregate classification (germline): Likely benign (1 of 4 stars; one submission).

Conditions:
IFT172-related disorder. Also called: IFT172-related disorders; IFT172-related condition.

gnomAD v4.1: 1 of 1,614,160 alleles (0.000062%); highest among the groups gnomAD compares: African/African-American, 0.0013%; no homozygotes.

Submission:

PreventionGenetics, part of Exact Sciences
Classification: Likely benign for IFT172-related condition. Last evaluated: 2025-03-15. Review status: criteria provided, single submitter. Criteria: ACMG Guidelines, 2015. Collection method: clinical testing. Allele origin: germline.
Comment: This variant is classified as likely benign based on ACMG/AMP sequence variant interpretation guidelines (Richards et al. 2015 PMID: 25741868, with internal and published modifications).